The following is an entry in ClinVar:

ClinVar aggregate classification (germline): Uncertain significance. Review status: criteria provided, multiple submitters, no conflicts (2 of 4 stars). 3 submissions from 3 submitters: Uncertain significance (3). Last evaluated 2022-04-11.

Allele frequency attached by ClinVar (database versions not stated): TOPMed below 0.00001.
gnomAD v4.1: 1 of 1,614,176 alleles (0.000062%); highest among the groups gnomAD compares: Non-Finnish European, 0.000085%; no homozygotes.

Submissions (3):

GeneDx
Classification: Uncertain significance. Last evaluated: 2022-04-11. Review status: criteria provided, single submitter. Criteria: GeneDx Variant Classification Process June 2021. Collection method: clinical testing. Allele origin: germline. Affected: yes.
Comment: Not observed at significant frequency in large population cohorts (gnomAD); In silico analysis supports that this missense variant does not alter protein structure/function; Has not been previously published as pathogenic or benign to our knowledge; In silico analysis, which includes splice predictors and evolutionary conservation, suggests this variant may impact gene splicing. In the absence of RNA/functional studies, the actual effect of this sequence change is unknown.

Genetic Services Laboratory, University of Chicago
Classification: Uncertain significance. Last evaluated: 2020-02-27. Review status: criteria provided, single submitter. Criteria: ACMG Guidelines, 2015. Collection method: clinical testing. Allele origin: germline. Affected: no.
Comment: DNA sequence analysis of the IFT172 gene demonstrated a sequence change, c.2710G>A, in exon 25 that results in an amino acid change, p.Asp904Asn. This sequence change does not appear to have been previously described in patients with IFT172-related disorders and has also not been described in population databases (gnomAD, ExAC). The p.Asp904Asn change affects a moderately conserved amino acid residue located in a domain of the IFT172 protein that is not known to be functional. In-silico pathogenicity prediction tools (SIFT, PolyPhen2, Align GVGD, REVEL) provide contradictory results for the p.Asp904Asn substitution. Due to these contrasting evidences and the lack of functional studies, the clinical significance of the p.Asp904Asn change remains unknown at this time.

Blueprint Genetics
Classification: Uncertain significance. Last evaluated: 2019-10-29. Review status: criteria provided, single submitter. Criteria: ACMG Guidelines, 2015. Collection method: clinical testing. Allele origin: germline.

NM_015662.3(IFT172):c.2710G>A (p.Asp904Asn)

Genes: IFT172 (intraflagellar transport 172; minus strand), LOC126806174 (CDK7 strongly-dependent group 2 enhancer GRCh37_chr2:27681686-27682885; plus strand). Cytogenetic location: 2p23.3.
Variant type: single nucleotide variant.
Coding change: c.2710G>A on transcript NM_015662.3 (MANE Select); coding-DNA position 2710, G replaced by A.
Protein change: p.Asp904Asn; replaces aspartic acid 904 with asparagine.
Molecular consequence: missense variant.
Genome position (GRCh38, 1-based): chr2:27,459,455, C>T on the plus strand (G>A on the coding strand, the complement: IFT172 is on the minus strand). VCF-style: chr2-27459455-C-T. GRCh37 (hg19) VCF-style: chr2-27682322-C-T.
Other names: short protein forms D904N.
Identifiers: ClinVar variation 1337552 (VCV001337552.7), dbSNP rs1666450205, ClinGen allele CA346382305.